The following is an entry in ClinVar:

ClinVar aggregate classification (germline): Uncertain significance (1 of 4 stars; one submission).

Submission:

Labcorp Genetics (formerly Invitae), Labcorp
Classification: Uncertain significance. Last evaluated: 2023-03-14. Review status: criteria provided, single submitter. Criteria: Invitae Variant Classification Sherloc (09022015). Collection method: clinical testing. Allele origin: germline.
Comment: Advanced modeling of protein sequence and biophysical properties (such as structural, functional, and spatial information, amino acid conservation, physicochemical variation, residue mobility, and thermodynamic stability) performed at Invitae indicates that this missense variant is not expected to disrupt PIEZO1 protein function. In summary, the available evidence is currently insufficient to determine the role of this variant in disease. Therefore, it has been classified as a Variant of Uncertain Significance. This variant has not been reported in the literature in individuals affected with PIEZO1-related conditions. This variant is not present in population databases (gnomAD no frequency). This sequence change replaces serine, which is neutral and polar, with arginine, which is basic and polar, at codon 1914 of the PIEZO1 protein (p.Ser1914Arg).

NM_001142864.4(PIEZO1):c.5742C>A (p.Ser1914Arg)

Gene: PIEZO1 (piezo type mechanosensitive ion channel component 1 (Er blood group); minus strand). Cytogenetic location: 16q24.3.
Variant type: single nucleotide variant.
Coding change: c.5742C>A on transcript NM_001142864.4 (MANE Select); coding-DNA position 5742, C replaced by A.
Protein change: p.Ser1914Arg; replaces serine 1914 with arginine.
Molecular consequence: missense variant.
Genome position (GRCh38, 1-based): chr16:88,720,675, G>T on the plus strand (C>A on the coding strand, the complement: PIEZO1 is on the minus strand). VCF-style: chr16-88720675-G-T. GRCh37 (hg19) VCF-style: chr16-88787083-G-T.
Other names: c.4284C>A, p.Ser1428Arg (NM_014745.1); short protein forms S1914R, S1428R.
Identifiers: ClinVar variation 3021169 (VCV003021169.3), dbSNP rs888002218, ClinGen allele CA397088797.